The following is an entry in ClinVar:

ClinVar aggregate classification (germline): Conflicting classifications of pathogenicity. Review status: criteria provided, conflicting classifications (1 of 4 stars). 2 submissions from 2 submitters: Likely pathogenic (1); Uncertain significance (1). Last evaluated 2022-08-25.

Conditions:
Autosomal dominant Robinow syndrome 2. Identifiers: Orphanet 3107, Orphanet 97360, MedGen C4225363, MONDO:0014591, OMIM 616331.

Allele frequency attached by ClinVar (database versions not stated): gnomAD exomes below 0.00001.

Submissions (2):

Labcorp Genetics (formerly Invitae), Labcorp
Classification: Uncertain significance. Last evaluated: 2022-08-25. Review status: criteria provided, single submitter. Criteria: Invitae Variant Classification Sherloc (09022015). Collection method: clinical testing. Allele origin: germline.
Comment: This sequence change creates a premature translational stop signal (p.Trp377*) in the FZD2 gene. While this is not anticipated to result in nonsense mediated decay, it is expected to disrupt the last 189 amino acid(s) of the FZD2 protein. This variant is not present in population databases (gnomAD no frequency). This premature translational stop signal has been observed in individual(s) with Robinow syndrome (PMID: 29276006). ClinVar contains an entry for this variant (Variation ID: 488051). In summary, the available evidence is currently insufficient to determine the role of this variant in disease. Therefore, it has been classified as a Variant of Uncertain Significance.

Lupski Lab, Baylor-Hopkins CMG, Baylor College of Medicine
Classification: Likely pathogenic for Autosomal dominant Robinow syndrome 2. Last evaluated: 2017-06-01. Review status: criteria provided, single submitter. Criteria: White et al. (Am J Hum Genet. 2018). Collection method: research. Allele origin: unknown. Affected: yes. Observed: 2 variant alleles.

Literature cited by the submitters: PubMed 29276006 (cited by Labcorp Genetics (formerly Invitae), Labcorp).

NM_001466.4(FZD2):c.1130G>A (p.Trp377Ter)

Gene: FZD2 (frizzled class receptor 2; plus strand). Cytogenetic location: 17q21.31.
Variant type: single nucleotide variant.
Coding change: c.1130G>A on transcript NM_001466.4 (MANE Select); coding-DNA position 1130, G replaced by A.
Protein change: p.Trp377Ter; replaces tryptophan 377 with a stop codon.
Molecular consequence: nonsense.
Genome position (GRCh38, 1-based): chr17:44,558,818, G>A. VCF-style: chr17-44558818-G-A. GRCh37 (hg19) VCF-style: chr17-42636186-G-A.
Other names: short protein forms W377*.
Identifiers: ClinVar variation 488051 (VCV000488051.5), dbSNP rs1555657045, ClinGen allele CA399797946.